The following is an entry in ClinVar:

ClinVar aggregate classification (germline): Uncertain significance (1 of 4 stars; one submission).

Allele frequency attached by ClinVar (database versions not stated): gnomAD exomes below 0.00001.
gnomAD v4.1: 1 of 1,613,840 alleles (0.000062%); highest among the groups gnomAD compares: Admixed American, 0.0017%; no homozygotes.

Submission:

Clinical Genomics Laboratory, Washington University in St. Louis
Classification: Uncertain significance. Last evaluated: 2023-08-25. Review status: criteria provided, single submitter. Criteria: ACMG Guidelines, 2015. Collection method: clinical testing. Allele origin: germline.
Comment: The UPF2 c.1771T>A (p.Phe591Ile) variant, to our knowledge, has not been reported in the medical literature. This variant is only observed on 1 allele out of 251,336 alleles in the general population (gnomAD v.2.1.1), indicating it is not a common variant. Computational predictors indicate that the variant is damaging, evidence that correlates with impact to UPF2 function. Due to limited information, the clinical significance of this variant is uncertain.

NM_015542.4(UPF2):c.1771T>A (p.Phe591Ile)

Gene: UPF2 (UPF2 regulator of nonsense mediated mRNA decay; minus strand). Cytogenetic location: 10p14.
Variant type: single nucleotide variant.
Coding change: c.1771T>A on transcript NM_015542.4 (MANE Select); coding-DNA position 1771, T replaced by A.
Protein change: p.Phe591Ile; replaces phenylalanine 591 with isoleucine.
Molecular consequence: missense variant.
Genome position (GRCh38, 1-based): chr10:11,997,745, A>T on the plus strand (T>A on the coding strand, the complement: UPF2 is on the minus strand). VCF-style: chr10-11997745-A-T. GRCh37 (hg19) VCF-style: chr10-12039744-A-T.
Other names: c.1771T>A, p.Phe591Ile (NM_080599.3); short protein forms F591I.
Identifiers: ClinVar variation 2672231 (VCV002672231.1), dbSNP rs1346634985, ClinGen allele CA375993742.